The following is an entry in ClinVar:

ClinVar aggregate classification (germline): Likely benign. Review status: criteria provided, multiple submitters, no conflicts (2 of 4 stars). 2 submissions from 2 submitters: Likely benign (2). Last evaluated 2024-11-01.

Conditions:
Baller-Gerold syndrome (BGS). Also called: CRANIOSYNOSTOSIS WITH RADIAL DEFECTS. Identifiers: Orphanet 1225, MedGen C0265308, MONDO:0009039, OMIM 218600.

Allele frequency attached by ClinVar (database versions not stated): gnomAD exomes below 0.00001; TOPMed below 0.00001.

Submissions (2):

CeGaT Center for Human Genetics Tuebingen
Classification: Likely benign. Last evaluated: 2024-11-01. Review status: criteria provided, single submitter. Criteria: CeGaT Center For Human Genetics Tuebingen Variant Classification Criteria Version 2. Collection method: clinical testing. Allele origin: germline. Affected: yes. Observed: 1 variant allele.
Comment: RECQL4: BP4, BP7

Labcorp Genetics (formerly Invitae), Labcorp
Classification: Likely benign for Baller-Gerold syndrome. Last evaluated: 2024-05-18. Review status: criteria provided, single submitter. Criteria: Invitae Variant Classification Sherloc (09022015). Collection method: clinical testing. Allele origin: germline.

NM_004260.4(RECQL4):c.1038C>T (p.Ala346=)

Gene: RECQL4 (RecQ like helicase 4; minus strand). Cytogenetic location: 8q24.3.
Variant type: single nucleotide variant.
Coding change: c.1038C>T on transcript NM_004260.4 (MANE Select); coding-DNA position 1038, C replaced by T.
Protein change: p.Ala346=; no amino-acid change (alanine 346 retained).
Molecular consequence: synonymous variant.
Genome position (GRCh38, 1-based): chr8:144,516,081, G>A on the plus strand (C>T on the coding strand, the complement: RECQL4 is on the minus strand). VCF-style: chr8-144516081-G-A. GRCh37 (hg19) VCF-style: chr8-145741465-G-A.
Identifiers: ClinVar variation 1131793 (VCV001131793.21), dbSNP rs1814890207, ClinGen allele CA463567434.
Genomic context (GRCh38, chr8:144,516,081, plus strand): 5'-GCCCCGCACGTAGTGTTTCTGCTTCATGTTGAGCCGTACGTAATTGCCCCTGTCATGGCG[G>A]GCCAGCCGAGGGAAGATGTGCAGGGGGGCTGTGCCCTCAGCCTTCCCAGCCCTAGCTTGA-3'
Protein context (NP_004251.4, residues 336-356): TAPLHIFPRL[Ala346=]RHDRGNYVRL